The following is an entry in ClinVar:

NM_000441.2(SLC26A4):c.1595G>T (p.Ser532Ile)

Gene: SLC26A4 (solute carrier family 26 member 4; plus strand). Cytogenetic location: 7q22.3.
Variant type: single nucleotide variant.
Coding change: c.1595G>T on transcript NM_000441.2 (MANE Select); coding-DNA position 1595, G replaced by T.
Protein change: p.Ser532Ile; replaces serine 532 with isoleucine.
Molecular consequence: missense variant.
Genome position (GRCh38, 1-based): chr7:107,698,092, G>T. VCF-style: chr7-107698092-G-T. GRCh37 (hg19) VCF-style: chr7-107338537-G-T.
Other names: short protein forms S532I.
Identifiers: ClinVar variation 370114 (VCV000370114.17), dbSNP rs1057516243, ClinGen allele CA16041114.

ClinVar aggregate classification (germline): Pathogenic/Likely pathogenic. Review status: criteria provided, multiple submitters, no conflicts (2 of 4 stars). 6 submissions from 6 submitters: Pathogenic (2); Likely pathogenic (3). 1 of the submissions does not count toward it. Last evaluated 2023-12-05.

Conditions:
Pendred syndrome (PDS). Also called: Pendred's syndrome; Pendred Syndrome (PDS); GOITER-DEAFNESS SYNDROME; HYPOTHYROIDISM, CONGENITAL, DUE TO DYSHORMONOGENESIS, 2B; THYROID DYSHORMONOGENESIS 2B; THYROID HORMONOGENESIS, GENETIC DEFECT IN, 2B. Identifiers: Orphanet 705, MedGen C0271829, MONDO:0010134, OMIM 274600.
Autosomal recessive nonsyndromic hearing loss 4 (DFNB4). Also called: FOXI1-Related Pendred Syndrome; KCNJ10-Related Pendred Syndrome; DEAFNESS, AUTOSOMAL RECESSIVE 4, WITH ENLARGED VESTIBULAR AQUEDUCT, DIGENIC; Nonsyndromic enlarged vestibular aqueduct (NSEVA); Deafness, autosomal recessive 4, with enlarged vestibular aqueduct; Deafness, autosomal recessive 4. Identifiers: Orphanet 90636, MedGen C3538946, MONDO:0010933, OMIM 600791.

gnomAD v4.1: 2 of 1,608,892 alleles (0.00012%); highest among the groups gnomAD compares: East Asian, 0.0045%; no homozygotes.

Submissions (6):

GeneDx
Classification: Likely pathogenic. Last evaluated: 2023-12-05. Review status: criteria provided, single submitter. Criteria: GeneDx Variant Classification Process June 2021. Collection method: clinical testing. Allele origin: germline. Affected: yes.
Comment: Not observed at significant frequency in large population cohorts (gnomAD); In silico analysis supports that this missense variant has a deleterious effect on protein structure/function; This variant is associated with the following publications: (PMID: 35114279, 25372295, 24599119, 28786104, 19954013, 23185506, 30842343, LiuY2023b[Preprint], 23918157, 35982127, WuL2017[Article], 22384008, 26252218)

Baylor Genetics
Classification: Likely pathogenic for Autosomal recessive nonsyndromic hearing loss 4. Last evaluated: 2023-05-17. Review status: criteria provided, single submitter. Criteria: ACMG Guidelines, 2015. Collection method: clinical testing. Allele origin: unknown.

Labcorp Genetics (formerly Invitae), Labcorp
Classification: Pathogenic. Last evaluated: 2022-05-27. Review status: criteria provided, single submitter. Criteria: Invitae Variant Classification Sherloc (09022015). Collection method: clinical testing. Allele origin: germline.
Comment: Advanced modeling of protein sequence and biophysical properties (such as structural, functional, and spatial information, amino acid conservation, physicochemical variation, residue mobility, and thermodynamic stability) performed at Invitae indicates that this missense variant is expected to disrupt SLC26A4 protein function. For these reasons, this variant has been classified as Pathogenic. This variant disrupts the p.Ser532 amino acid residue in SLC26A4. Other variant(s) that disrupt this residue have been determined to be pathogenic (PMID: 17718863, 23918157, 25372295). This suggests that this residue is clinically significant, and that variants that disrupt this residue are likely to be disease-causing. ClinVar contains an entry for this variant (Variation ID: 370114). This missense change has been observed in individuals with nonsyndromic enlarged vestibular aqueduct (PMID: 17718863, 23918157, 25372295). This variant is not present in population databases (gnomAD no frequency). This sequence change replaces serine, which is neutral and polar, with isoleucine, which is neutral and non-polar, at codon 532 of the SLC26A4 protein (p.Ser532Ile).

Genome-Nilou Lab
Classification: Likely pathogenic for Pendred syndrome. Last evaluated: 2021-09-05. Review status: criteria provided, single submitter. Criteria: ACMG Guidelines, 2015. Collection method: clinical testing. Allele origin: germline. Affected: no.

Juno Genomics, Hangzhou Juno Genomics, Inc
Classification: Pathogenic for Autosomal recessive nonsyndromic hearing loss 4; Pendred syndrome. Review status: criteria provided, single submitter. Criteria: ACMG Guidelines, 2015. Collection method: clinical testing. Allele origin: germline.
Comment: Absent from controls (or at extremely low frequency if recessive) in Genome Aggregation Database.;Multiple lines of computational evidence support a deleterious effect on the gene or gene product.;For recessive disorders, detected in trans with a pathogenic variant.

Counsyl
Classification: Likely pathogenic for Pendred syndrome. Last evaluated: 2015-11-24. Review status: no assertion criteria provided. Collection method: clinical testing. Allele origin: unknown. Not counted in ClinVar's aggregate classification.

Literature cited by the submitters: PubMed 17718863 (cited by Labcorp Genetics (formerly Invitae), Labcorp); PubMed 23918157 (cited by Labcorp Genetics (formerly Invitae), Labcorp and Counsyl); PubMed 25372295 (cited by Labcorp Genetics (formerly Invitae), Labcorp and Counsyl); PubMed 24599119 (cited by Counsyl).